The following is an entry in ClinVar:

ClinVar aggregate classification (germline): Uncertain significance. Review status: criteria provided, multiple submitters, no conflicts (2 of 4 stars). 5 submissions from 5 submitters: Uncertain significance (5). Last evaluated 2025-01-11.

Conditions:
Dyskeratosis congenita, autosomal dominant 2. Identifiers: MedGen C3151443, MONDO:0013521, OMIM 613989.
Idiopathic Pulmonary Fibrosis. Also called: Idiopathic fibrosing alveolitis, chronic form; idiopathic fibrosing alveolitis. Identifiers: Orphanet 2032, MedGen C1800706, MeSH D054990, MONDO:0800504.
Dyskeratosis congenita. Identifiers: Orphanet 1775, MedGen C0265965, MONDO:0015780.

Allele frequency attached by ClinVar (database versions not stated): gnomAD 0.00001.
gnomAD v4.1: 8 of 1,612,910 alleles (0.0005%); highest among the groups gnomAD compares: East Asian, 0.0022%; no homozygotes.

Submissions (5):

Ambry Genetics
Classification: Uncertain significance for Dyskeratosis congenita. Last evaluated: 2025-01-11. Review status: criteria provided, single submitter. Criteria: Ambry Variant Classification Scheme 2023. Collection method: clinical testing. Allele origin: germline.
Comment: The p.R521H variant (also known as c.1562G>A), located in coding exon 2 of the TERT gene, results from a G to A substitution at nucleotide position 1562. The arginine at codon 521 is replaced by histidine, an amino acid with highly similar properties. This amino acid position is not well conserved in available vertebrate species. In addition, this alteration is predicted to be tolerated by in silico analysis. Based on the available evidence, the clinical significance of this variant remains unclear.

GeneDx
Classification: Uncertain significance. Last evaluated: 2024-07-05. Review status: criteria provided, single submitter. Criteria: GeneDx Variant Classification Process June 2021. Collection method: clinical testing. Allele origin: germline. Affected: yes.
Comment: Not observed at significant frequency in large population cohorts (gnomAD); In silico analysis indicates that this missense variant does not alter protein structure/function; Has not been previously published as pathogenic or benign to our knowledge

Labcorp Genetics (formerly Invitae), Labcorp
Classification: Uncertain significance for Dyskeratosis congenita, autosomal dominant 2; Idiopathic Pulmonary Fibrosis. Last evaluated: 2024-03-10. Review status: criteria provided, single submitter. Criteria: Invitae Variant Classification Sherloc (09022015). Collection method: clinical testing. Allele origin: germline.
Comment: This sequence change replaces arginine, which is basic and polar, with histidine, which is basic and polar, at codon 521 of the TERT protein (p.Arg521His). This variant is present in population databases (no rsID available, gnomAD 0.01%). This variant has not been reported in the literature in individuals affected with TERT-related conditions. ClinVar contains an entry for this variant (Variation ID: 1711599). Algorithms developed to predict the effect of missense changes on protein structure and function output the following: SIFT: "Not Available"; PolyPhen-2: "Benign"; Align-GVGD: "Not Available". The histidine amino acid residue is found in multiple mammalian species, which suggests that this missense change does not adversely affect protein function. In summary, the available evidence is currently insufficient to determine the role of this variant in disease. Therefore, it has been classified as a Variant of Uncertain Significance.

Baylor Genetics
Classification: Uncertain significance for Dyskeratosis congenita, autosomal dominant 2. Last evaluated: 2023-12-20. Review status: criteria provided, single submitter. Criteria: ACMG Guidelines, 2015. Collection method: clinical testing. Allele origin: unknown.

CeGaT Center for Human Genetics Tuebingen
Classification: Uncertain significance. Last evaluated: 2022-08-01. Review status: criteria provided, single submitter. Criteria: CeGaT Center For Human Genetics Tuebingen Variant Classification Criteria Version 2. Collection method: clinical testing. Allele origin: germline. Affected: yes. Observed: 1 variant allele.
Comment: TERT: PM2:Supporting, PP2, BP4

NM_198253.3(TERT):c.1562G>A (p.Arg521His)

Gene: TERT (telomerase reverse transcriptase; minus strand). Cytogenetic location: 5p15.33.
Variant type: single nucleotide variant.
Coding change: c.1562G>A on transcript NM_198253.3 (MANE Select); coding-DNA position 1562, G replaced by A.
Protein change: p.Arg521His; replaces arginine 521 with histidine.
Molecular consequence: missense variant. On other transcripts: non-coding transcript variant (2).
Genome position (GRCh38, 1-based): chr5:1,293,324, C>T on the plus strand (G>A on the coding strand, the complement: TERT is on the minus strand). VCF-style: chr5-1293324-C-T. GRCh37 (hg19) VCF-style: chr5-1293439-C-T.
Other names: c.1562G>A, p.Arg521His (NM_001193376.3, NM_003219.1); short protein forms R521H.
Identifiers: ClinVar variation 1711599 (VCV001711599.37), dbSNP rs1060503002, ClinGen allele CA359085031.